The following is an entry in ClinVar:

ClinVar aggregate classification (germline): Uncertain significance (1 of 4 stars; one submission).

Conditions:
Hereditary cancer-predisposing syndrome. Also called: Neoplastic Syndromes, Hereditary; Tumor predisposition; Hereditary neoplastic syndrome; Hereditary Cancer Syndrome. Identifiers: Orphanet 140162, MedGen C0027672, MeSH D009386, MONDO:0015356.

Submission:

Ambry Genetics
Classification: Uncertain significance for Hereditary cancer-predisposing syndrome. Last evaluated: 2026-08-11. Review status: criteria provided, single submitter. Criteria: Ambry Variant Classification Scheme 2023. Collection method: clinical testing. Allele origin: germline.
Comment: The p.P421A variant (also known as c.1261C>G), located in coding exon 11 of the MRE11A gene, results from a C to G substitution at nucleotide position 1261. The proline at codon 421 is replaced by alanine, an amino acid with highly similar properties. This amino acid position is conserved. In addition, this alteration is predicted to be tolerated by in silico analysis. Based on the available evidence, the clinical significance of this variant remains unclear.

NM_005591.4(MRE11):c.1261C>G (p.Pro421Ala)

Gene: MRE11 (MRE11 double strand break repair nuclease; minus strand). Cytogenetic location: 11q21.
Variant type: single nucleotide variant.
Coding change: c.1261C>G on transcript NM_005591.4 (MANE Select); coding-DNA position 1261, C replaced by G.
Protein change: p.Pro421Ala; replaces proline 421 with alanine.
Molecular consequence: missense variant.
Genome position (GRCh38, 1-based): chr11:94,461,001, G>C on the plus strand (C>G on the coding strand, the complement: MRE11 is on the minus strand). VCF-style: chr11-94461001-G-C. GRCh37 (hg19) VCF-style: chr11-94194167-G-C.
Other names: c.1261C>G, p.Pro421Ala (NM_001440474.1, NM_001440475.1, NM_001440476.1 and 15 more transcripts); c.1180C>G, p.Pro394Ala (NM_001440477.1, NM_001440478.1, NM_001440473.1); c.1186C>G, p.Pro396Ala (NM_001440479.1, NM_001440471.1, NM_001440472.1); c.916C>G, p.Pro306Ala (NM_001440482.1, NM_001440483.1, NM_001440484.1); c.793C>G, p.Pro265Ala (NM_001440485.1, NM_001440486.1, NM_001440487.1); short protein forms P306A, P396A, P265A, P394A, P421A.
Identifiers: ClinVar variation 5024691 (VCV005024691.1).